The following is an entry in ClinVar:

NM_000815.5(GABRD):c.766A>G (p.Met256Val)

Gene: GABRD (gamma-aminobutyric acid type A receptor subunit delta; plus strand). Cytogenetic location: 1p36.33.
Variant type: single nucleotide variant.
Coding change: c.766A>G on transcript NM_000815.5 (MANE Select); coding-DNA position 766, A replaced by G.
Protein change: p.Met256Val; replaces methionine 256 with valine.
Molecular consequence: missense variant.
Genome position (GRCh38, 1-based): chr1:2,029,185, A>G. VCF-style: chr1-2029185-A-G. GRCh37 (hg19) VCF-style: chr1-1960624-A-G.
Other names: short protein forms M256V.
Identifiers: ClinVar variation 2789232 (VCV002789232.3), dbSNP rs1300804136, ClinGen allele CA337959161.
Genomic context (GRCh38, chr1:2,029,185, plus strand): 5'-CGGCTCAGCCTGCACTTCCACCTGCGGAGGAACCGCGGCGTGTACATCATCCAATCCTAC[A>G]TGCCCTCCGTCCTGCTGGTCGCCATGTCCTGGGTCTCCTTCTGGATCAGCCAGGCGGCGG-3'
Protein context (NP_000806.2, residues 246-266): NRGVYIIQSY[Met256Val]PSVLLVAMSW

ClinVar aggregate classification (germline): Uncertain significance (1 of 4 stars; one submission).

Conditions:
Idiopathic generalized epilepsy. Also called: EIG; Generalised epilepsy. Identifiers: MedGen C0270850, MONDO:0005579, OMIM 600669.

Allele frequency attached by ClinVar (database versions not stated): TOPMed below 0.00001; gnomAD 0.00001.

Submission:

Labcorp Genetics (formerly Invitae), Labcorp
Classification: Uncertain significance for Idiopathic generalized epilepsy. Last evaluated: 2025-10-06. Review status: criteria provided, single submitter. Criteria: Invitae Variant Classification Sherloc (09022015). Collection method: clinical testing. Allele origin: germline.
Comment: This sequence change replaces methionine, which is neutral and non-polar, with valine, which is neutral and non-polar, at codon 256 of the GABRD protein (p.Met256Val). This variant is not present in population databases (gnomAD no frequency). This variant has not been reported in the literature in individuals affected with GABRD-related conditions. ClinVar contains an entry for this variant (Variation ID: 2789232). An algorithm developed to predict the effect of missense changes on protein structure and function outputs the following: PolyPhen-2: "Benign". The valine amino acid residue is found in multiple mammalian species, which suggests that this missense change does not adversely affect protein function. In summary, the available evidence is currently insufficient to determine the role of this variant in disease. Therefore, it has been classified as a Variant of Uncertain Significance.